The following is an entry in ClinVar:

NM_000059.4(BRCA2):c.183A>G (p.Leu61=)

Gene: BRCA2 (BRCA2 DNA repair associated; plus strand). Cytogenetic location: 13q13.1.
Variant type: single nucleotide variant.
Coding change: c.183A>G on transcript NM_000059.4 (MANE Select); coding-DNA position 183, A replaced by G.
Protein change: p.Leu61=; no amino-acid change (leucine 61 retained).
Molecular consequence: synonymous variant.
Genome position (GRCh38, 1-based): chr13:32,319,192, A>G. VCF-style: chr13-32319192-A-G. GRCh37 (hg19) VCF-style: chr13-32893329-A-G.
Identifiers: ClinVar variation 184579 (VCV000184579.28), dbSNP rs776638534, ClinGen allele CA013534.

ClinVar aggregate classification (germline): Likely benign. Review status: reviewed by expert panel (3 of 4 stars). 10 submissions from 10 submitters: Likely benign (1). 9 of the submissions do not count toward it. Last evaluated 2017-06-29.

Conditions:
Hereditary cancer-predisposing syndrome. Also called: Tumor predisposition; Hereditary Cancer Syndrome; Hereditary neoplastic syndrome; Neoplastic Syndromes, Hereditary. Identifiers: Orphanet 140162, MedGen C0027672, MeSH D009386, MONDO:0015356.
Hereditary breast ovarian cancer syndrome. Also called: Breast and ovarian cancer; Hereditary breast and ovarian cancer syndrome; Hereditary breast and ovarian cancer; BRCA1- and BRCA2-Associated Hereditary Breast and Ovarian Cancer; Hereditary breast and ovarian cancer syndrome (HBOC); Hereditary breast and/or ovarian cancer syndrome. Identifiers: Orphanet 145, MedGen C0677776, MeSH D061325, MONDO:0003582. Disease mechanism: loss of function.
Breast-ovarian cancer, familial, susceptibility to, 2 (BROVCA2). Also called: BRCA2 Hereditary Breast and Ovarian Cancer. Identifiers: Orphanet 145, MedGen C2675520, MONDO:0012933, OMIM 612555. Disease mechanism: loss of function.

Allele frequency attached by ClinVar (database versions not stated): gnomAD exomes below 0.00001; ExAC 0.00001; gnomAD 0.00002; TOPMed 0.00003.
gnomAD v4.1: 9 of 1,613,984 alleles (0.00056%); highest among the groups gnomAD compares: African/African-American, 0.011%; no homozygotes.

Submissions (10):

Evidence-based Network for the Interpretation of Germline Mutant Alleles (ENIGMA)
Classification: Likely benign for Breast-ovarian cancer, familial, susceptibility to, 2. Last evaluated: 2017-06-29. Review status: reviewed by expert panel. Criteria: ENIGMA BRCA1/2 Classification Criteria (2017-06-29). Collection method: curation. Allele origin: germline.
Comment: Synonymous substitution variant, with low bioinformatic likelihood to result in a splicing aberration (Splicing prior probability 0.02).

Labcorp Genetics (formerly Invitae), Labcorp
Classification: Likely benign for Hereditary breast ovarian cancer syndrome. Last evaluated: 2026-01-03. Review status: criteria provided, single submitter. Criteria: Invitae Variant Classification Sherloc (09022015). Collection method: clinical testing. Allele origin: germline. Not counted in ClinVar's aggregate classification.

All of Us Research Program, National Institutes of Health
Classification: Likely benign for Breast-ovarian cancer, familial, susceptibility to, 2. Last evaluated: 2023-10-02. Review status: criteria provided, single submitter. Criteria: ACMG Guidelines, 2015. Collection method: clinical testing. Allele origin: germline. Inheritance: Autosomal dominant inheritance. Observed: 3 variant alleles, 3 heterozygotes. Not counted in ClinVar's aggregate classification.
Comment: This study involves interpretation of variants in research participants for the purpose of population health screening. Participant phenotype was not available at the time of variant classification. Additional details can be found in publication PMID: 35346344, PMCID: PMC8962531

ARUP Laboratories, Molecular Genetics and Genomics, ARUP Laboratories
Classification: Likely benign. Last evaluated: 2023-08-17. Review status: criteria provided, single submitter. Criteria: ARUP Molecular Germline Variant Investigation Process 2024. Collection method: clinical testing. Allele origin: germline. Not counted in ClinVar's aggregate classification.

Quest Diagnostics Nichols Institute San Juan Capistrano
Classification: Likely benign. Last evaluated: 2023-07-07. Review status: criteria provided, single submitter. Criteria: Quest Diagnostics criteria. Collection method: clinical testing. Allele origin: unknown. Not counted in ClinVar's aggregate classification.

Women's Health and Genetics/Laboratory Corporation of America, LabCorp
Classification: Likely benign. Last evaluated: 2019-08-21. Review status: criteria provided, single submitter. Criteria: LabCorp Variant Classification Summary - May 2015. Collection method: clinical testing. Allele origin: germline. Not counted in ClinVar's aggregate classification.

Color Diagnostics, LLC DBA Color Health
Classification: Likely benign for Hereditary cancer-predisposing syndrome. Last evaluated: 2018-06-07. Review status: criteria provided, single submitter. Criteria: ACMG Guidelines, 2015. Collection method: clinical testing. Allele origin: germline. Not counted in ClinVar's aggregate classification.

GeneDx
Classification: Benign. Last evaluated: 2015-05-21. Review status: criteria provided, single submitter. Criteria: GeneDx Variant Classification Process June 2021. Collection method: clinical testing. Allele origin: germline. Affected: yes. Not counted in ClinVar's aggregate classification.

Ambry Genetics
Classification: Likely benign for Hereditary cancer-predisposing syndrome. Last evaluated: 2014-11-04. Review status: criteria provided, single submitter. Criteria: Ambry Variant Classification Scheme 2023. Collection method: clinical testing. Allele origin: germline. Not counted in ClinVar's aggregate classification.

Counsyl
Classification: Likely benign for Breast-ovarian cancer, familial, susceptibility to, 2. Last evaluated: 2016-07-18. Review status: no assertion criteria provided. Collection method: clinical testing. Allele origin: unknown. Not counted in ClinVar's aggregate classification.

Literature cited by the submitters: PubMed 27376475 (cited by Quest Diagnostics Nichols Institute San Juan Capistrano and Counsyl); PubMed 32641407 (cited by Quest Diagnostics Nichols Institute San Juan Capistrano).